The following is an entry in ClinVar:

NM_006929.5(SKIC2):c.3070-7T>C

Gene: SKIC2 (SKI2 subunit of superkiller complex; plus strand). Cytogenetic location: 6p21.33.
Variant type: single nucleotide variant.
Coding change: c.3070-7T>C on transcript NM_006929.5 (MANE Select); 7 bases into the intron before coding-DNA position 3070, T replaced by C.
Molecular consequence: intron variant.
Genome position (GRCh38, 1-based): chr6:31,968,679, T>C. VCF-style: chr6-31968679-T-C. GRCh37 (hg19) VCF-style: chr6-31936456-T-C.
Identifiers: ClinVar variation 356344 (VCV000356344.14), dbSNP rs201101301, ClinGen allele CA3729966.

ClinVar aggregate classification (germline): Benign. Review status: criteria provided, multiple submitters, no conflicts (2 of 4 stars). 3 submissions from 3 submitters: Benign (2). 1 of the submissions does not count toward it. Last evaluated 2026-02-04.

Conditions:
Trichohepatoenteric syndrome 2 (THES2). Identifiers: Orphanet 84064, MedGen C3281289, MONDO:0013818, OMIM 614602.
SKIC2-related disorder. Also called: SKIC2-related condition.

Allele frequency attached by ClinVar (database versions not stated): gnomAD 0.00011 and 0.00089; TOPMed 0.00028; 1000 Genomes Project 30x 0.00531; 1000 Genomes Project 0.00639.
gnomAD v4.1: 2,488 of 1,609,468 alleles (0.15%); highest among the groups gnomAD compares: South Asian, 2.5%; 59 homozygotes.

Submissions (3):

Labcorp Genetics (formerly Invitae), Labcorp
Classification: Benign. Last evaluated: 2026-02-04. Review status: criteria provided, single submitter. Criteria: Invitae Variant Classification Sherloc (09022015). Collection method: clinical testing. Allele origin: germline.

Illumina Laboratory Services, Illumina
Classification: Benign for Trichohepatoenteric syndrome 2. Last evaluated: 2018-01-13. Review status: criteria provided, single submitter. Criteria: ICSL Variant Classification Criteria 13 December 2019. Collection method: clinical testing. Allele origin: germline.
Comment: This variant was observed in the ICSL laboratory as part of a predisposition screen in an ostensibly healthy population. It had not been previously curated by ICSL or reported in the Human Gene Mutation Database (HGMD: prior to June 1st, 2018), and was therefore a candidate for classification through an automated scoring system. Utilizing variant allele frequency, disease prevalence and penetrance estimates, and inheritance mode, an automated score was calculated to assess if this variant is too frequent to cause the disease. Based on the score and internal cut-off values, a variant classified as benign is not then subjected to further curation. The score for this variant resulted in a classification of benign for this disease.

PreventionGenetics, part of Exact Sciences
Classification: Likely benign for SKIC2-related condition. Last evaluated: 2024-08-06. Review status: no assertion criteria provided. Collection method: clinical testing. Allele origin: germline. Not counted in ClinVar's aggregate classification.
Comment: This variant is classified as likely benign based on ACMG/AMP sequence variant interpretation guidelines (Richards et al. 2015 PMID: 25741868, with internal and published modifications).